The following is an entry in ClinVar:

NM_018368.4(LMBRD1):c.1225G>A (p.Ala409Thr)

Gene: LMBRD1 (LMBR1 domain containing 1; minus strand). Cytogenetic location: 6q13.
Variant type: single nucleotide variant.
Coding change: c.1225G>A on transcript NM_018368.4 (MANE Select); coding-DNA position 1225, G replaced by A.
Protein change: p.Ala409Thr; replaces alanine 409 with threonine.
Molecular consequence: missense variant.
Genome position (GRCh38, 1-based): chr6:69,699,156, C>T on the plus strand (G>A on the coding strand, the complement: LMBRD1 is on the minus strand). VCF-style: chr6-69699156-C-T. GRCh37 (hg19) VCF-style: chr6-70409048-C-T.
Other names: c.1006G>A, p.Ala336Thr (NM_001363722.2, NM_001367271.1, NM_001367272.1); short protein forms A336T, A409T.
Identifiers: ClinVar variation 3360499 (VCV003360499.2).
Genomic context (GRCh38, chr6:69,699,156, plus strand): 5'-AAATCATGTAGCTAGTGTGAAGGACAATAAGCAGAAGTATCATGCAGAGAAAAAGGAGTG[C>T]TTGGGGCCTGGTTCTACCTCTTCTGATTTTATATAACTGGAAAGAAAAGAGTGACAAAAT-3'
Protein context (NP_060838.3, residues 399-419): KIRRGRTRPQ[Ala409Thr]LLFLCMILLL

ClinVar aggregate classification (germline): Uncertain significance. Review status: criteria provided, multiple submitters, no conflicts (2 of 4 stars). 2 submissions from 2 submitters: Uncertain significance (2). Last evaluated 2025-06-07.

Conditions:
Inborn genetic diseases. Identifiers: MedGen C0950123, MeSH D030342.

gnomAD v4.1: 14 of 1,611,744 alleles (0.00087%); highest among the groups gnomAD compares: African/African-American, 0.017%; no homozygotes.

Submissions (2):

Ambry Genetics
Classification: Uncertain significance for Inborn genetic diseases. Last evaluated: 2025-06-07. Review status: criteria provided, single submitter. Criteria: Ambry Variant Classification Scheme 2023. Collection method: clinical testing. Allele origin: germline.

GeneDx
Classification: Uncertain significance. Last evaluated: 2023-06-30. Review status: criteria provided, single submitter. Criteria: GeneDx Variant Classification Process June 2021. Collection method: clinical testing. Allele origin: germline. Affected: yes.
Comment: Not observed at significant frequency in large population cohorts (gnomAD); In silico analysis supports that this missense variant has a deleterious effect on protein structure/function; Has not been previously published as pathogenic or benign to our knowledge